The following is an entry in ClinVar:

NM_031263.4(HNRNPK):c.676_678del (p.Asp226del)

Genes: HNRNPK (heterogeneous nuclear ribonucleoprotein K; minus strand), HNRNPK-AS1 (HNRNPK antisense RNA 1; plus strand). Cytogenetic location: 9q21.32.
Variant type: Deletion.
Coding change: c.676_678del on transcript NM_031263.4 (MANE Select); coding-DNA positions 676 to 678, 3 bases deleted (GAT; older notation c.676_678delGAT).
Protein change: p.Asp226del; deletes aspartic acid 226.
Molecular consequence: inframe deletion.
Genome position (GRCh38, 1-based): chr9:83,972,157-83,972,159, ATC deleted on the plus strand (GAT on the coding strand, the reverse complement: HNRNPK is on the minus strand); deleting any 3 consecutive bases within chr9:83,972,157-83,972,161 gives the same sequence; the c. name uses the placement nearest the transcript's 3' end. VCF-style (leftmost placement, unchanged base first): chr9-83972156-GATC-G. GRCh37 (hg19) VCF-style: chr9-86587071-GATC-G.
Other names: c.604_606del, p.Asp202del (NM_001318186.2, NM_001318187.2); c.676_678del, p.Asp226del (NM_001318188.2, NM_002140.5, NM_031262.4); short protein forms D202del, D226del.
Identifiers: ClinVar variation 986250 (VCV000986250.6), dbSNP rs1956875321, ClinGen allele CA913160805.

ClinVar aggregate classification (germline): Pathogenic/Likely pathogenic. Review status: criteria provided, multiple submitters, no conflicts (2 of 4 stars). 2 submissions from 2 submitters: Pathogenic (1); Likely pathogenic (1). Last evaluated 2022-06-30.

Conditions:
Inborn genetic diseases. Identifiers: MedGen C0950123, MeSH D030342.
Congenital heart disease (CHD). Identifiers: MedGen C0152021, MONDO:0005453. Disease mechanism: unknown.

Submissions (2):

AURAGEN, Plan France Médecine Génomique
Classification: Pathogenic for Congenital heart disease. Last evaluated: 2022-06-30. Review status: criteria provided, single submitter. Criteria: PFMG2025 (Lancet Reg Health Eur. 2025). Collection method: clinical testing. Allele origin: germline. Affected: yes.

Ambry Genetics
Classification: Likely pathogenic for Inborn genetic diseases. Last evaluated: 2020-09-30. Review status: criteria provided, single submitter. Criteria: Ambry Variant Classification Scheme 2023. Collection method: clinical testing. Allele origin: germline.
Comment: The c.676_678delGAT (p.D226del) alteration, located in exon 11 (coding exon 9) of the HNRNPK gene, results from an in-frame 3 nucleotide deletion at positions 676 to 678. This results in the deletion of an aspartic acid (D) residue at codon 226. Based on data from the Genome Aggregation Database (gnomAD), the HNRNPK c.676_678delGAT alteration was not observed, with coverage at this position. This alteration has been identified as a de novo event in multiple individuals (Ambry internal data). The p.D226 amino acid is conserved in available vertebrate species. The p.D226del alteration is predicted to be deleterious with a score of -12.372 by PROVEAN in silico analysis. Based on the available evidence, this alteration is classified as likely pathogenic.